The following is an entry in ClinVar:

ClinVar aggregate classification (germline): Pathogenic. Review status: criteria provided, multiple submitters, no conflicts (2 of 4 stars). 5 submissions from 5 submitters: Pathogenic (4). 1 of the submissions does not count toward it. Last evaluated 2025-03-28.

Conditions:
PUF60-related disorder. Also called: PUF60-related condition.
8q24.3 microdeletion syndrome. Also called: CHROMOSOME 8q24.3 DELETION SYNDROME; Verheij syndrome. Identifiers: Orphanet 508488, MedGen C3810023, MONDO:0014263, OMIM 615583.

Submissions (5):

3billion
Classification: Pathogenic for 8q24.3 microdeletion syndrome. Last evaluated: 2025-03-28. Review status: criteria provided, single submitter. Criteria: ACMG Guidelines, 2015. Collection method: clinical testing. Allele origin: germline. Affected: yes.
Comment: The variant is not observed in the gnomAD v4.1.0 dataset. Predicted Consequence/Location: Frameshift: predicted to result in a loss or disruption of normal protein function through nonsense-mediated decay (NMD) or protein truncation. Multiple pathogenic variants are reported downstream of the variant. The variant has been reported to be associated with PUF60-related disorder (ClinVar ID: VCV000599205 / PMID: 27804958). Therefore, this variant is classified as Pathogenic according to the recommendation of ACMG/AMP guideline.

Bioscientia Institut fuer Medizinische Diagnostik GmbH, Sonic Healthcare
Classification: Pathogenic for 8q24.3 microdeletion syndrome. Last evaluated: 2025-02-03. Review status: criteria provided, single submitter. Criteria: ACMG Guidelines, 2015. Collection method: clinical testing. Allele origin: germline. Affected: yes.

GeneDx
Classification: Pathogenic. Last evaluated: 2021-11-11. Review status: criteria provided, single submitter. Criteria: GeneDx Variant Classification Process June 2021. Collection method: clinical testing. Allele origin: germline. Affected: yes.
Comment: Frameshift variant predicted to result in protein truncation or nonsense mediated decay in a gene for which loss-of-function is a known mechanism of disease; Not observed in large population cohorts (Lek et al., 2016); This variant is associated with the following publications: (PMID: 28990276, 27804958, 31502745)

Blueprint Genetics
Classification: Pathogenic for PUF60-related disorders. Last evaluated: 2019-11-26. Review status: criteria provided, single submitter. Criteria: ACMG Guidelines, 2015. Collection method: clinical testing. Allele origin: de novo. Affected: yes. Observed: 1 variant allele.

OMIM
Classification: Pathogenic for VERHEIJ SYNDROME. Last evaluated: 2018-12-21. Review status: no assertion criteria provided. Collection method: literature only. Allele origin: germline. Not counted in ClinVar's aggregate classification.

Literature cited by the submitters: PubMed 27804958 (cited by 3billion and OMIM).

NM_078480.3(PUF60):c.407_410del (p.Ile136fs)

Gene: PUF60 (poly(U) binding splicing factor 60; minus strand). Cytogenetic location: 8q24.3.
Variant type: Microsatellite.
Coding change: c.407_410del on transcript NM_078480.3 (MANE Select); coding-DNA positions 407 to 410, 4 bases deleted (TCTA; older notation c.407_410delTCTA).
Protein change: p.Ile136fs; shifts the reading frame from isoleucine 136.
Molecular consequence: frameshift variant.
Genome position (GRCh38, 1-based): chr8:143,818,473-143,818,476, TAGA deleted on the plus strand (TCTA on the coding strand, the reverse complement: PUF60 is on the minus strand); deleting any 4 consecutive bases within chr8:143,818,473-143,818,480 gives the same sequence; the c. name uses the placement nearest the transcript's 3' end. VCF-style (leftmost placement, unchanged base first): chr8-143818472-GTAGA-G. GRCh37 (hg19) VCF-style: chr8-144900642-GTAGA-G.
Other names: c.407_410delTCTA (NM_078480.3, NM_078480.2); c.278_281del, p.Ile93fs (NM_001136033.3); c.353_356del, p.Ile118fs (NM_001271096.2); c.269_272del, p.Ile90fs (NM_001271097.2); c.404_407del, p.Ile135fs (NM_001271098.2); c.320_323del, p.Ile107fs (NM_001271099.2); c.227_230del, p.Ile76fs (NM_001271100.2); c.518_521del, p.Ile173fs (NM_001362895.2, NM_001362896.2); and 2 more; short protein forms I118fs, I135fs, I156fs, I93fs, I173fs, I119fs, I107fs, I136fs.
Identifiers: ClinVar variation 599205 (VCV000599205.8), dbSNP rs1563826453, ClinGen allele CA913189940.